The following is an entry in ClinVar:

ClinVar aggregate classification (germline): Uncertain significance (1 of 4 stars; one submission).

Conditions:
Episodic ataxia type 6. Identifiers: Orphanet 209967, MedGen C2675211, MONDO:0012982, OMIM 612656.

Allele frequency attached by ClinVar (database versions not stated): gnomAD exomes 0.00001; TOPMed 0.00001; ExAC 0.00005.
gnomAD v4.1: 4 of 1,614,216 alleles (0.00025%); highest among the groups gnomAD compares: East Asian, 0.0089%; no homozygotes.

Submission:

Institute of Human Genetics, University of Goettingen
Classification: Uncertain significance for Episodic ataxia type 6. Last evaluated: 2024-07-12. Review status: criteria provided, single submitter. Criteria: ACMG Guidelines, 2015. Collection method: clinical testing. Allele origin: germline. Inheritance: Autosomal dominant inheritance. Affected: yes. Observed: 1 heterozygote.
Comment: PM2, PP3

NM_004172.5(SLC1A3):c.1165T>C (p.Phe389Leu)

Genes: SLC1A3-AS1 (SLC1A3 antisense RNA 1; minus strand), SLC1A3 (solute carrier family 1 member 3; plus strand). Cytogenetic location: 5p13.2.
Variant type: single nucleotide variant.
Coding change: c.1165T>C on transcript NM_004172.5 (MANE Select); coding-DNA position 1165, T replaced by C.
Protein change: p.Phe389Leu; replaces phenylalanine 389 with leucine.
Molecular consequence: missense variant.
Genome position (GRCh38, 1-based): chr5:36,680,465, T>C. VCF-style: chr5-36680465-T-C. GRCh37 (hg19) VCF-style: chr5-36680567-T-C.
Other names: c.1165T>C, p.Phe389Leu (NM_001166695.3); c.1027T>C, p.Phe343Leu (NM_001289939.2); c.829T>C, p.Phe277Leu (NM_001289940.2); short protein forms F277L, F343L, F389L.
Identifiers: ClinVar variation 3252107 (VCV003252107.2), dbSNP rs762409451.